The following is an entry in ClinVar:

ClinVar aggregate classification (germline): Uncertain significance. Review status: criteria provided, multiple submitters, no conflicts (2 of 4 stars). 5 submissions from 5 submitters: Uncertain significance (5). Last evaluated 2025-01-30.

Conditions:
Autosomal recessive limb-girdle muscular dystrophy type 2A (LGMDR1). Also called: LEYDEN-MOEBIUS MUSCULAR DYSTROPHY; MUSCULAR DYSTROPHY, PELVOFEMORAL; Muscular dystrophy, limb-girdle, type 2A, Amish; Limb-girdle muscular dystrophy, type 2A; Calpainopathy. Identifiers: Orphanet 267, MedGen C1869123, MONDO:0009675, OMIM 253600. Disease mechanism: loss of function.

Allele frequency attached by ClinVar (database versions not stated): ExAC 0.00001; gnomAD 0.00001; gnomAD exomes 0.00001 and 0.00002; TOPMed 0.00002.
gnomAD v4.1: 19 of 1,611,994 alleles (0.0012%); highest among the groups gnomAD compares: East Asian, 0.02%; no homozygotes.

Submissions (5):

Revvity Omics, Revvity
Classification: Uncertain significance. Last evaluated: 2025-01-30. Review status: criteria provided, single submitter. Criteria: ACMG Guidelines, 2015. Collection method: clinical testing. Allele origin: germline.

Labcorp Genetics (formerly Invitae), Labcorp
Classification: Uncertain significance for Autosomal recessive limb-girdle muscular dystrophy type 2A. Last evaluated: 2024-10-02. Review status: criteria provided, single submitter. Criteria: Invitae Variant Classification Sherloc (09022015). Collection method: clinical testing. Allele origin: germline.
Comment: This sequence change replaces methionine, which is neutral and non-polar, with threonine, which is neutral and polar, at codon 700 of the CAPN3 protein (p.Met700Thr). This variant is present in population databases (rs762776236, gnomAD 0.006%). This missense change has been observed in individual(s) with limb-girdle muscular dystrophy (PMID: 32994280). ClinVar contains an entry for this variant (Variation ID: 194912). Invitae Evidence Modeling of protein sequence and biophysical properties (such as structural, functional, and spatial information, amino acid conservation, physicochemical variation, residue mobility, and thermodynamic stability) indicates that this missense variant is expected to disrupt CAPN3 protein function with a positive predictive value of 80%. In summary, the available evidence is currently insufficient to determine the role of this variant in disease. Therefore, it has been classified as a Variant of Uncertain Significance.

Illumina Laboratory Services, Illumina
Classification: Uncertain significance for Limb-girdle muscular dystrophy, type 2A. Last evaluated: 2018-01-13. Review status: criteria provided, single submitter. Criteria: ICSL Variant Classification Criteria 13 December 2019. Collection method: clinical testing. Allele origin: germline.

Eurofins Ntd Llc (ga)
Classification: Uncertain significance. Last evaluated: 2015-02-11. Review status: criteria provided, single submitter. Criteria: EGL Classification Definitions 2015. Collection method: clinical testing. Allele origin: germline. Observed: 1 variant allele, 1 heterozygote.

Juno Genomics, Hangzhou Juno Genomics, Inc
Classification: Uncertain significance for Autosomal recessive limb-girdle muscular dystrophy type 2A. Review status: criteria provided, single submitter. Criteria: ACMG Guidelines, 2015. Collection method: clinical testing. Allele origin: germline.
Comment: Absent from controls (or at extremely low frequency if recessive) in Genome Aggregation Database.;Multiple lines of computational evidence support a deleterious effect on the gene or gene product.

Literature cited by the submitters: PubMed 32994280 (cited by Labcorp Genetics (formerly Invitae), Labcorp).

NM_000070.3(CAPN3):c.2099T>C (p.Met700Thr)

Gene: CAPN3 (calpain 3; plus strand). Cytogenetic location: 15q15.1.
Variant type: single nucleotide variant.
Coding change: c.2099T>C on transcript NM_000070.3 (MANE Select); coding-DNA position 2099, T replaced by C.
Protein change: p.Met700Thr; replaces methionine 700 with threonine.
Molecular consequence: missense variant.
Genome position (GRCh38, 1-based): chr15:42,409,979, T>C. VCF-style: chr15-42409979-T-C. GRCh37 (hg19) VCF-style: chr15-42702177-T-C.
Other names: c.2081T>C, p.Met694Thr (NM_024344.2); c.1823T>C, p.Met608Thr (NM_173087.2); c.563T>C, p.Met188Thr (NM_173088.2); c.104T>C, p.Met35Thr (NM_173089.2, NM_173090.2); short protein forms M700T, M188T, M608T, M694T, M35T.
Identifiers: ClinVar variation 194912 (VCV000194912.14), dbSNP rs762776236, ClinGen allele CA241128.
Genomic context (GRCh38, chr15:42,409,979, plus strand): 5'-CCATCCCCCCAGACAAGGACCTGAAGACACACGGGTTCACACTGGAGTCCTGCCGTAGCA[T>C]GATTGCGCTCATGGATGTATCCTTCCTGCCGCCCCTTCCCGACCCTCTGTCATCAGCCCA-3'
Protein context (NP_000061.1, residues 690-710): HGFTLESCRS[Met700Thr]IALMDTDGSG